The following is an entry in ClinVar:

NM_019040.5(ELP4):c.744dup (p.Gln249fs)

Gene: ELP4 (elongator acetyltransferase complex subunit 4; plus strand). Cytogenetic location: 11p13.
Variant type: Duplication.
Coding change: c.744dup on transcript NM_019040.5 (MANE Select); coding-DNA position 744, one base duplicated (A; older notation c.744dupA).
Protein change: p.Gln249fs; shifts the reading frame from glutamine 249.
Molecular consequence: frameshift variant.
Genome position (GRCh38, 1-based): chr11:31,632,222, A duplicated; the last of 6 consecutive A bases (chr11:31,632,217-31,632,222); duplicating any one gives the same sequence. VCF-style (leftmost placement, unchanged base first): chr11-31632216-G-GA. GRCh37 (hg19) VCF-style: chr11-31653763-G-GA.
Other names: c.747dup, p.Gln250fs (NM_001288725.2); c.744dup, p.Gln249fs (NM_001288726.2); short protein forms Q249fs, Q250fs.
Identifiers: ClinVar variation 3345697 (VCV003345697.1).

ClinVar aggregate classification (germline): Uncertain significance (0 of 4 stars; one submission).

Conditions:
ELP4-related disorder. Also called: ELP4-related condition.

Submission:

PreventionGenetics, part of Exact Sciences
Classification: Uncertain significance for ELP4-related condition. Last evaluated: 2024-09-05. Review status: no assertion criteria provided. Collection method: clinical testing. Allele origin: germline.
Comment: The ELP4 c.744dupA variant is predicted to result in a frameshift and premature protein termination (p.Gln249Thrfs*63). To our knowledge, this variant has not been reported in the literature or in a large population database, indicating this variant is rare. At this time, the clinical significance of this variant is uncertain due to the absence of conclusive functional and genetic evidence.